The following is an entry in ClinVar:

ClinVar aggregate classification (germline): Uncertain significance (1 of 4 stars; one submission).

Conditions:
DICER1-related tumor predisposition. Also called: DICER1 syndrome; DICER1-related pleuropulmonary blastoma cancer predisposition syndrome. Identifiers: Orphanet 284343, MedGen C3839822, MONDO:0100216.

Submission:

Labcorp Genetics (formerly Invitae), Labcorp
Classification: Uncertain significance for DICER1-related tumor predisposition. Last evaluated: 2025-02-10. Review status: criteria provided, single submitter. Criteria: Invitae Variant Classification Sherloc (09022015). Collection method: clinical testing. Allele origin: germline.
Comment: This sequence change falls in intron 18 of the DICER1 gene. It does not directly change the encoded amino acid sequence of the DICER1 protein. It affects a nucleotide within the consensus splice site. This variant is not present in population databases (gnomAD no frequency). This variant has not been reported in the literature in individuals affected with DICER1-related conditions. ClinVar contains an entry for this variant (Variation ID: 641174). Variants that disrupt the consensus splice site are a relatively common cause of aberrant splicing (PMID: 17576681, 9536098). Algorithms developed to predict the effect of sequence changes on RNA splicing suggest that this variant is not likely to affect RNA splicing. In summary, the available evidence is currently insufficient to determine the role of this variant in disease. Therefore, it has been classified as a Variant of Uncertain Significance.

Literature cited by the submitters: PubMed 17576681; PubMed 9536098.

NM_177438.3(DICER1):c.2987+6G>T

Gene: DICER1 (dicer 1, ribonuclease III; minus strand). Cytogenetic location: 14q32.13.
Variant type: single nucleotide variant.
Coding change: c.2987+6G>T on transcript NM_177438.3 (MANE Select); 6 bases into the intron after coding-DNA position 2987, G replaced by T.
Molecular consequence: intron variant.
Genome position (GRCh38, 1-based): chr14:95,106,035, C>A on the plus strand (G>T on the coding strand, the complement: DICER1 is on the minus strand). VCF-style: chr14-95106035-C-A. GRCh37 (hg19) VCF-style: chr14-95572372-C-A.
Other names: c.2987+6G>T (NM_001291628.2, NM_030621.4, NM_001271282.3 and 1 more transcripts).
Identifiers: ClinVar variation 641174 (VCV000641174.10), dbSNP rs1595373577, ClinGen allele CA915946381.